The following is an entry in ClinVar:

NM_014363.6(SACS):c.7475T>C (p.Val2492Ala)

Gene: SACS (sacsin molecular chaperone; minus strand). Cytogenetic location: 13q12.12.
Variant type: single nucleotide variant.
Coding change: c.7475T>C on transcript NM_014363.6 (MANE Select); coding-DNA position 7475, T replaced by C.
Protein change: p.Val2492Ala; replaces valine 2492 with alanine.
Molecular consequence: missense variant.
Genome position (GRCh38, 1-based): chr13:23,336,401, A>G on the plus strand (T>C on the coding strand, the complement: SACS is on the minus strand). VCF-style: chr13-23336401-A-G. GRCh37 (hg19) VCF-style: chr13-23910540-A-G.
Other names: p.Val2492Ala; c.7034T>C, p.Val2345Ala (NM_001278055.2); c.7502T>C, p.Val2501Ala (NM_001437336.1); short protein forms V2492A, V2345A, V2501A.
Identifiers: ClinVar variation 4541762 (VCV004541762.1).

ClinVar aggregate classification (germline): Uncertain significance (1 of 4 stars; one submission).

gnomAD v4.1: 1 of 1,614,116 alleles (0.000062%); highest among the groups gnomAD compares: Non-Finnish European, 0.000085%; no homozygotes.

Submission:

Mayo Clinic Laboratories, Mayo Clinic
Classification: Uncertain significance. Last evaluated: 2025-08-13. Review status: criteria provided, single submitter. Criteria: ACMG Guidelines, 2015. Collection method: clinical testing. Allele origin: germline. Observed: 1 variant allele.
Comment: PM2_supporting